The following is an entry in ClinVar:

NM_001122630.2(CDKN1C):c.577C>T (p.Pro193Ser)

Gene: CDKN1C (cyclin dependent kinase inhibitor 1C; minus strand). Cytogenetic location: 11p15.4.
Variant type: single nucleotide variant.
Coding change: c.577C>T on transcript NM_001122630.2 (MANE Select); coding-DNA position 577, C replaced by T.
Protein change: p.Pro193Ser; replaces proline 193 with serine.
Molecular consequence: missense variant. On other transcripts: intron variant (1).
Genome position (GRCh38, 1-based): chr11:2,884,880, G>A on the plus strand (C>T on the coding strand, the complement: CDKN1C is on the minus strand). VCF-style: chr11-2884880-G-A. GRCh37 (hg19) VCF-style: chr11-2906110-G-A.
Other names: c.610C>T, p.Pro204Ser (NM_001362474.2, NM_000076.2); c.255+322C>T (NM_001362475.2); c.577C>T, p.Pro193Ser (NM_001122631.2); short protein forms P193S, P204S.
Identifiers: ClinVar variation 4882612 (VCV004882612.2).
Genomic context (GRCh38, chr11:2,884,880, plus strand): 5'-CGCTCTCTTGAGGCGCCGCGTCCGGGGCCGGGGCCGGGGCGGGGGCCGGGGCCGGGGCCG[G>A]GGCCGGGGCTGGGGCCGGGGCCGCGACTGGAGCCGGGGCCGGAGCCGGAGCCGGAGCCGG-3'
Protein context (NP_001116102.1, residues 183-203): PVAAPAPAPA[Pro193Ser]APAPAPAPAP

ClinVar aggregate classification (germline): Uncertain significance (1 of 4 stars; one submission).

Submission:

Dasa
Classification: Uncertain significance. Last evaluated: 2026-01-11. Review status: criteria provided, single submitter. Criteria: DASA Assertion Criteria. Collection method: clinical testing. Allele origin: germline.
Comment: NM_001122630.2(CDKN1C):c.577C>T (p.Pro193Ser) is a missense variant that results in the substitution of proline with serine. This variant is rare in population databases. Computational prediction algorithms are consistent with a benign effect. The currently available literature and clinical evidence are not sufficient to establish a definitive association between this variant and the reported condition. Therefore, this variant is classified as a variant of uncertain significance.